The following is an entry in ClinVar:

ClinVar aggregate classification (germline): Uncertain significance (1 of 4 stars; one submission).

Submission:

Labcorp Genetics (formerly Invitae), Labcorp
Classification: Uncertain significance. Last evaluated: 2021-11-02. Review status: criteria provided, single submitter. Criteria: Invitae Variant Classification Sherloc (09022015). Collection method: clinical testing. Allele origin: germline.
Comment: In summary, the available evidence is currently insufficient to determine the role of this variant in disease. Therefore, it has been classified as a Variant of Uncertain Significance. Algorithms developed to predict the effect of missense changes on protein structure and function (SIFT, PolyPhen-2, Align-GVGD) all suggest that this variant is likely to be tolerated. This variant has not been reported in the literature in individuals affected with POLE-related conditions. This variant is not present in population databases (gnomAD no frequency). This sequence change replaces aspartic acid, which is acidic and polar, with asparagine, which is neutral and polar, at codon 2128 of the POLE protein (p.Asp2128Asn).

NM_006231.4(POLE):c.6382G>A (p.Asp2128Asn)

Gene: POLE (DNA polymerase epsilon, catalytic subunit; minus strand). Cytogenetic location: 12q24.33.
Variant type: single nucleotide variant.
Coding change: c.6382G>A on transcript NM_006231.4 (MANE Select); coding-DNA position 6382, G replaced by A.
Protein change: p.Asp2128Asn; replaces aspartic acid 2128 with asparagine.
Molecular consequence: missense variant.
Genome position (GRCh38, 1-based): chr12:132,626,266, C>T on the plus strand (G>A on the coding strand, the complement: POLE is on the minus strand). VCF-style: chr12-132626266-C-T. GRCh37 (hg19) VCF-style: chr12-133202852-C-T.
Other names: short protein forms D2128N.
Identifiers: ClinVar variation 1411034 (VCV001411034.6), dbSNP rs778102693, ClinGen allele CA387367745.